The following is an entry in ClinVar:

ClinVar aggregate classification (germline): Conflicting classifications of pathogenicity. Review status: criteria provided, conflicting classifications (1 of 4 stars). 9 submissions from 9 submitters: Uncertain significance (6); Likely benign (1). 2 of the submissions do not count toward it. Last evaluated 2026-05-01.

Conditions:
Familial cancer of breast. Also called: hereditary breast carcinoma; Hereditary breast cancer; BREAST CANCER, FAMILIAL. Identifiers: Orphanet 227535, MedGen C0346153, MONDO:0016419, OMIM 114480. Disease mechanism: loss of function.
Hereditary cancer-predisposing syndrome. Also called: Tumor predisposition; Hereditary Cancer Syndrome; Neoplastic Syndromes, Hereditary; Hereditary neoplastic syndrome. Identifiers: Orphanet 140162, MedGen C0027672, MeSH D009386, MONDO:0015356.
Ataxia-telangiectasia syndrome (AT). Also called: Cerebello-oculocutaneous telangiectasia; Immunodeficiency with ataxia telangiectasia; Ataxia-telangiectasia; Ataxia-telangiectasia, complementation group D; AT, COMPLEMENTATION GROUP C; ATAXIA-TELANGIECTASIA, COMPLEMENTATION GROUP A. Identifiers: Orphanet 100, MedGen C0004135, MONDO:0008840, OMIM 208900.

Allele frequency attached by ClinVar (database versions not stated): gnomAD 0.00001; TOPMed 0.00001; ExAC 0.00002; gnomAD exomes 0.00002.
gnomAD v4.1: 20 of 1,613,304 alleles (0.0012%); highest among the groups gnomAD compares: East Asian, 0.0089%; no homozygotes.

Submissions (9):

Ambry Genetics
Classification: Likely benign for Hereditary cancer-predisposing syndrome. Last evaluated: 2026-05-01. Review status: criteria provided, single submitter. Criteria: Ambry Variant Classification Scheme 2023. Collection method: clinical testing. Allele origin: germline.

Labcorp Genetics (formerly Invitae), Labcorp
Classification: Uncertain significance for Ataxia-telangiectasia syndrome. Last evaluated: 2026-02-03. Review status: criteria provided, single submitter. Criteria: Invitae Variant Classification Sherloc (09022015). Collection method: clinical testing. Allele origin: germline.
Comment: This sequence change replaces proline, which is neutral and non-polar, with leucine, which is neutral and non-polar, at codon 1639 of the ATM protein (p.Pro1639Leu). This variant is present in population databases (rs752459491, gnomAD 0.02%). This missense change has been observed in individual(s) with breast cancer (PMID: 32885271, 33606809). ClinVar contains an entry for this variant (Variation ID: 482528). Invitae Evidence Modeling of protein sequence and biophysical properties (such as structural, functional, and spatial information, amino acid conservation, physicochemical variation, residue mobility, and thermodynamic stability) indicates that this missense variant is not expected to disrupt ATM protein function with a negative predictive value of 95%. In summary, the available evidence is currently insufficient to determine the role of this variant in disease. Therefore, it has been classified as a Variant of Uncertain Significance.

Blueprint Genetics
Classification: Uncertain significance. Last evaluated: 2024-08-26. Review status: criteria provided, single submitter. Criteria: ACMG Guidelines, 2015. Collection method: clinical testing. Allele origin: germline.

Quest Diagnostics Nichols Institute San Juan Capistrano
Classification: Uncertain significance. Last evaluated: 2024-08-02. Review status: criteria provided, single submitter. Criteria: Quest Diagnostics criteria. Collection method: clinical testing. Allele origin: unknown.

Baylor Genetics
Classification: Uncertain significance for Familial cancer of breast. Last evaluated: 2024-03-05. Review status: criteria provided, single submitter. Criteria: ACMG Guidelines, 2015. Collection method: clinical testing. Allele origin: unknown.

Color Diagnostics, LLC DBA Color Health
Classification: Uncertain significance for Hereditary cancer-predisposing syndrome. Last evaluated: 2023-09-18. Review status: criteria provided, single submitter. Criteria: ACMG Guidelines, 2015. Collection method: clinical testing. Allele origin: germline.
Comment: This missense variant replaces proline with leucine at codon 1639 of the ATM protein. Computational prediction suggests that this variant may not impact protein structure and function (internally defined REVEL score threshold <= 0.5, PMID: 27666373). To our knowledge, functional studies have not been reported for this variant. This variant has not been reported in individuals affected with ATM-related disorders in the literature. This variant has been identified in 6/250890 chromosomes in the general population by the Genome Aggregation Database (gnomAD). The available evidence is insufficient to determine the role of this variant in disease conclusively. Therefore, this variant is classified as a Variant of Uncertain Significance.

GeneDx
Classification: Uncertain significance. Last evaluated: 2022-11-09. Review status: criteria provided, single submitter. Criteria: GeneDx Variant Classification Process June 2021. Collection method: clinical testing. Allele origin: germline. Affected: yes.
Comment: In silico analysis supports that this missense variant has a deleterious effect on protein structure/function; Observed in an individual with chronic lymphocytic leukemia (Tiao et al., 2017); This variant is associated with the following publications: (PMID: 35085662, 28652578)

Natera, Inc.
Classification: Uncertain significance for Ataxia-telangiectasia. Last evaluated: 2020-08-27. Review status: no assertion criteria provided. Collection method: clinical testing. Allele origin: germline. Not counted in ClinVar's aggregate classification.

Department of Pathology and Laboratory Medicine, Sinai Health System
Classification: Uncertain significance. Review status: no assertion criteria provided. Collection method: clinical testing. Allele origin: unknown. Affected: yes. Study: The Canadian Open Genetics Repository (COGR). Not counted in ClinVar's aggregate classification.
Comment: The ATM p.Pro1639Leu variant was not identified in the literature. The variant was identified in dbSNP (ID: rs752459491) as "With Uncertain significance allele", ClinVar (classified as uncertain significance by Invitae, Ambry Genetics and Color), and LOVD 3.0 (1x).The variant was identified in control databases in 6 of 245694 chromosomes at a frequency of 0.00002 (Genome Aggregation Database Feb 27, 2017). The variant was observed in the following populations: European in 1 of 111352 chromosomes (freq: 0.000009), East Asian in 3 of 17206 chromosomes (freq: 0.00017), South Asian in 2 of 30780 chromosomes (freq: 0.00007), while the variant was not observed in the African, Other, Latino, Ashkenazi Jewish, and Finnish, populations. The p.Pro1639 residue is conserved in mammals and computational analyses (PolyPhen-2, SIFT, AlignGVGD, BLOSUM, MutationTaster) provide inconsistent predictions regarding the impact to the protein; this information is not very predictive of pathogenicity. The variant occurs outside of the splicing consensus sequence and in silico or computational prediction software programs (SpliceSiteFinder, MaxEntScan, NNSPLICE, GeneSplicer) do not predict a difference in splicing. In summary, based on the above information the clinical significance of this variant cannot be determined with certainty at this time. This variant is classified as a variant of uncertain significance.

Literature cited by the submitters: PubMed 40580951 (cited by Ambry Genetics); PubMed 32885271 (cited by Labcorp Genetics (formerly Invitae), Labcorp and Quest Diagnostics Nichols Institute San Juan Capistrano); PubMed 33606809 (cited by Labcorp Genetics (formerly Invitae), Labcorp and Quest Diagnostics Nichols Institute San Juan Capistrano); PubMed 28652578 (cited by Quest Diagnostics Nichols Institute San Juan Capistrano); PubMed 36243179 (cited by Quest Diagnostics Nichols Institute San Juan Capistrano); PubMed 33471991 (cited by Quest Diagnostics Nichols Institute San Juan Capistrano).

NM_000051.4(ATM):c.4916C>T (p.Pro1639Leu)

Gene: ATM (ATM serine/threonine kinase; plus strand). Cytogenetic location: 11q22.3.
Variant type: single nucleotide variant.
Coding change: c.4916C>T on transcript NM_000051.4 (MANE Select); coding-DNA position 4916, C replaced by T.
Protein change: p.Pro1639Leu; replaces proline 1639 with leucine.
Molecular consequence: missense variant.
Genome position (GRCh38, 1-based): chr11:108,297,293, C>T. VCF-style: chr11-108297293-C-T. GRCh37 (hg19) VCF-style: chr11-108168020-C-T.
Other names: c.4916C>T, p.Pro1639Leu (NM_001351834.2); short protein forms P1639L.
Identifiers: ClinVar variation 482528 (VCV000482528.31), dbSNP rs752459491, ClinGen allele CA6265585.